The following is an entry in ClinVar:

NM_000260.4(MYO7A):c.2553C>G (p.Ile851Met)

Gene: MYO7A (myosin VIIA; plus strand). Cytogenetic location: 11q13.5.
Variant type: single nucleotide variant.
Coding change: c.2553C>G on transcript NM_000260.4 (MANE Select); coding-DNA position 2553, C replaced by G.
Protein change: p.Ile851Met; replaces isoleucine 851 with methionine.
Molecular consequence: missense variant.
Genome position (GRCh38, 1-based): chr11:77,179,920, C>G. VCF-style: chr11-77179920-C-G. GRCh37 (hg19) VCF-style: chr11-76890966-C-G.
Other names: c.2553C>G, p.Ile851Met (NM_001127180.2); c.2520C>G, p.Ile840Met (NM_001369365.1); short protein forms I840M, I851M.
Identifiers: ClinVar variation 1010495 (VCV001010495.3), dbSNP rs986413500, ClinGen allele CA224841071.

ClinVar aggregate classification (germline): Uncertain significance. Review status: criteria provided, single submitter (1 of 4 stars). 2 submissions from 2 submitters: Uncertain significance (1). 1 of the submissions does not count toward it. Last evaluated 2022-06-14.

Conditions:
Usher syndrome type 1B (USH1B). Also called: Usher syndrome type IB. Identifiers: MedGen C1848638, MONDO:0700087.

Allele frequency attached by ClinVar (database versions not stated): gnomAD 0.00001 and 0.00002; TOPMed 0.00002.
gnomAD v4.1: 6 of 1,532,564 alleles (0.00039%); highest among the groups gnomAD compares: African/African-American, 0.0014%; no homozygotes.

Submissions (2):

Labcorp Genetics (formerly Invitae), Labcorp
Classification: Uncertain significance. Last evaluated: 2022-06-14. Review status: criteria provided, single submitter. Criteria: Invitae Variant Classification Sherloc (09022015). Collection method: clinical testing. Allele origin: germline.
Comment: This sequence change replaces isoleucine, which is neutral and non-polar, with methionine, which is neutral and non-polar, at codon 851 of the MYO7A protein (p.Ile851Met). This variant is not present in population databases (gnomAD no frequency). This variant has not been reported in the literature in individuals affected with MYO7A-related conditions. ClinVar contains an entry for this variant (Variation ID: 1010495). Advanced modeling of protein sequence and biophysical properties (such as structural, functional, and spatial information, amino acid conservation, physicochemical variation, residue mobility, and thermodynamic stability) performed at Invitae indicates that this missense variant is not expected to disrupt MYO7A protein function. In summary, the available evidence is currently insufficient to determine the role of this variant in disease. Therefore, it has been classified as a Variant of Uncertain Significance.

Natera, Inc.
Classification: Uncertain significance for Usher syndrome type 1B. Last evaluated: 2021-02-24. Review status: no assertion criteria provided. Collection method: clinical testing. Allele origin: germline. Not counted in ClinVar's aggregate classification.